The following is an entry in ClinVar:

NM_000273.3(GPR143):c.645G>C (p.Lys215Asn)

Gene: GPR143 (G protein-coupled receptor 143; minus strand). Cytogenetic location: Xp22.2.
Variant type: single nucleotide variant.
Coding change: c.645G>C on transcript NM_000273.3 (MANE Select); coding-DNA position 645, G replaced by C.
Protein change: p.Lys215Asn; replaces lysine 215 with asparagine.
Molecular consequence: missense variant.
Genome position (GRCh38, 1-based): chrX:9,746,057, C>G on the plus strand (G>C on the coding strand, the complement: GPR143 is on the minus strand). VCF-style: chrX-9746057-C-G. GRCh37 (hg19) VCF-style: chrX-9714097-C-G.
Other names: c.645G>C, p.Lys215Asn (NM_001440781.1); short protein forms K215N.
Identifiers: ClinVar variation 5008810 (VCV005008810.1).

ClinVar aggregate classification (germline): Uncertain significance (1 of 4 stars; one submission).

Submission:

GeneDx
Classification: Uncertain significance. Last evaluated: 2026-03-08. Review status: criteria provided, single submitter. Criteria: GeneDx Variant Classification Process June 2021. Collection method: clinical testing. Allele origin: germline.
Comment: Not observed at significant frequency in large population cohorts (gnomAD); In silico analysis suggests that this missense variant does not alter protein structure/function; Has not been previously published as pathogenic or benign to our knowledge